The following is an entry in ClinVar:

NM_001369268.1(ACAN):c.301C>T (p.Gln101Ter)

Gene: ACAN (aggrecan; plus strand). Cytogenetic location: 15q26.1.
Variant type: single nucleotide variant.
Coding change: c.301C>T on transcript NM_001369268.1 (MANE Select); coding-DNA position 301, C replaced by T.
Protein change: p.Gln101Ter; replaces glutamine 101 with a stop codon.
Molecular consequence: nonsense.
Genome position (GRCh38, 1-based): chr15:88,838,893, C>T. VCF-style: chr15-88838893-C-T. GRCh37 (hg19) VCF-style: chr15-89382124-C-T.
Other names: c.301C>T, p.Gln101Ter (NM_001135.4, NM_013227.4); short protein forms Q101*.
Identifiers: ClinVar variation 1526221 (VCV001526221.1), dbSNP rs2141563841, ClinGen allele CA393715135.

ClinVar aggregate classification (germline): Pathogenic (1 of 4 stars; one submission).

Conditions:
Short stature and advanced bone age, with or without early-onset osteoarthritis and/or osteochondritis dissecans (SSOAOD). Identifiers: Orphanet 251262, MedGen C3665488, MONDO:0100462, OMIM 165800.

Submission:

3billion
Classification: Pathogenic for Short stature and advanced bone age, with or without early-onset osteoarthritis and/or osteochondritis dissecans. Last evaluated: 2022-03-22. Review status: criteria provided, single submitter. Criteria: ACMG Guidelines, 2015. Collection method: clinical testing. Allele origin: germline. Affected: yes. Observed: 1 heterozygote.
Comment: Stop-gained (nonsense): predicted to result in a loss or disruption of normal protein function through nonsense-mediated decay (NMD) or protein truncation. Multiple pathogenic variants are reported downstream of the variant. The variant was co-segregated with Short stature and advanced bone age, with or without early-onset osteoarthritis and/or osteochondritis dissecans, in multiple affected family members with additional meioses meeting moderate evidence levels (PMID: 31841439). It is not observed in the gnomAD v2.1.1 dataset. Therefore, this variant is classified as pathogenic according to the recommendation of ACMG/AMP guideline.

Literature cited by the submitters: PubMed 31841439.